The following is an entry in ClinVar:

ClinVar aggregate classification (germline): Likely pathogenic (1 of 4 stars; one submission).

Submission:

CeGaT Center for Human Genetics Tuebingen
Classification: Likely pathogenic. Last evaluated: 2023-09-01. Review status: criteria provided, single submitter. Criteria: CeGaT Center For Human Genetics Tuebingen Variant Classification Criteria Version 2. Collection method: clinical testing. Allele origin: germline. Affected: yes. Observed: 2 variant alleles.
Comment: COL4A1: PM1:Strong, PM2, PP3, PS4:Supporting

NM_001845.6(COL4A1):c.3995G>A (p.Gly1332Asp)

Gene: COL4A1 (collagen type IV alpha 1 chain; minus strand). Cytogenetic location: 13q34.
Variant type: single nucleotide variant.
Coding change: c.3995G>A on transcript NM_001845.6 (MANE Select); coding-DNA position 3995, G replaced by A.
Protein change: p.Gly1332Asp; replaces glycine 1332 with aspartic acid.
Molecular consequence: missense variant.
Genome position (GRCh38, 1-based): chr13:110,166,258, C>T on the plus strand (G>A on the coding strand, the complement: COL4A1 is on the minus strand). VCF-style: chr13-110166258-C-T. GRCh37 (hg19) VCF-style: chr13-110818605-C-T.
Other names: short protein forms G1332D.
Identifiers: ClinVar variation 870797 (VCV000870797.41), dbSNP rs1877331560, ClinGen allele CA388660555.
Genomic context (GRCh38, chr13:110,166,258, plus strand): 5'-AGTAAGGTGTCCACAGATCAACAAACTCTCCTACCTTTAGCTCCCGGGACGCCTTGATCG[C>T]CTTGATCACCTTTAATTCCCTGGAGGCCAGGAAGACCTTTTGGACCTAAAAGCAGAGGGA-3'
Protein context (NP_001836.3, residues 1322-1342): PGLQGIKGDQ[Gly1332Asp]DQGVPGAKGL